The following is an entry in ClinVar:

NM_138638.5(CFL2):c.316C>A (p.Pro106Thr)

Gene: CFL2 (cofilin 2; minus strand). Cytogenetic location: 14q13.1.
Variant type: single nucleotide variant.
Coding change: c.316C>A on transcript NM_138638.5 (MANE Select); coding-DNA position 316, C replaced by A.
Protein change: p.Pro106Thr; replaces proline 106 with threonine.
Molecular consequence: missense variant. On other transcripts: non-coding transcript variant (2).
Genome position (GRCh38, 1-based): chr14:34,713,132, G>T on the plus strand (C>A on the coding strand, the complement: CFL2 is on the minus strand). VCF-style: chr14-34713132-G-T. GRCh37 (hg19) VCF-style: chr14-35182338-G-T.
Other names: c.265C>A, p.Pro89Thr (NM_001243645.2); c.316C>A, p.Pro106Thr (NM_021914.8); short protein forms P106T, P89T.
Identifiers: ClinVar variation 1030772 (VCV001030772.1), dbSNP rs770605729, ClinGen allele CA389421425.

ClinVar aggregate classification (germline): Uncertain significance (1 of 4 stars; one submission).

Conditions:
Nemaline myopathy 7 (NEM7). Also called: Nemaline myopathy 7, autosomal recessive. Identifiers: Orphanet 171436, MedGen C1853154, MONDO:0012538, OMIM 610687.

Submission:

Baylor Genetics
Classification: Uncertain significance for Nemaline myopathy 7. Last evaluated: 2020-06-03. Review status: criteria provided, single submitter. Criteria: ACMG Guidelines, 2015. Collection method: clinical testing. Allele origin: unknown. Affected: yes.
Comment: This variant was determined to be of uncertain significance according to ACMG Guidelines, 2015 [PMID:25741868].